The following is an entry in ClinVar:

NM_018122.5(DARS2):c.127+172G>T

Gene: DARS2 (aspartyl-tRNA synthetase 2, mitochondrial; plus strand). Cytogenetic location: 1q25.1.
Variant type: single nucleotide variant.
Coding change: c.127+172G>T on transcript NM_018122.5 (MANE Select); 172 bases into the intron after coding-DNA position 127, G replaced by T.
Molecular consequence: intron variant.
Genome position (GRCh38, 1-based): chr1:173,825,528, G>T. VCF-style: chr1-173825528-G-T. GRCh37 (hg19) VCF-style: chr1-173794666-G-T.
Other names: c.127+172G>T (NM_001365212.1, NM_001365213.2).
Identifiers: ClinVar variation 672595 (VCV000672595.1), dbSNP rs34756615, ClinGen allele CA32763466.
Genomic context (GRCh38, chr1:173,825,528, plus strand): 5'-ATTATTATTATTATTATTTGAGACGGAGTCTCGCTCTGCTGCCCAGGCTAGAGTGAAGTG[G>T]CGCGATCTCCGCTCACTGCAAGCTCCGCCTCCCGGGTTCACGCCATTCTCCTGCCTCAGC-3'

ClinVar aggregate classification (germline): Likely benign (1 of 4 stars; one submission).

Allele frequency attached by ClinVar (database versions not stated): 1000 Genomes Project 0.00180; 1000 Genomes Project 30x 0.00203; TOPMed 0.00434; gnomAD 0.00545 and 0.00571.
gnomAD v4.1: 816 of 151,234 alleles (0.54%); highest among the groups gnomAD compares: Non-Finnish European, 0.82%; 4 homozygotes.

Submission:

GeneDx
Classification: Likely benign. Last evaluated: 2018-06-14. Review status: criteria provided, single submitter. Criteria: GeneDx Variant Classification (06012015). Collection method: clinical testing. Allele origin: germline. Affected: yes.
Comment: This variant is considered likely benign or benign based on one or more of the following criteria: it is a conservative change, it occurs at a poorly conserved position in the protein, it is predicted to be benign by multiple in silico algorithms, and/or has population frequency not consistent with disease.